The following is an entry in ClinVar:

ClinVar aggregate classification (germline): Likely benign (1 of 4 stars; one submission).

Conditions:
SDCCAG8-related disorder. Also called: SDCCAG8-Related Disorders; SDCCAG8-related condition.

gnomAD v4.1: 5 of 1,613,954 alleles (0.00031%); highest among the groups gnomAD compares: Admixed American, 0.0033%; no homozygotes.

Submission:

PreventionGenetics, part of Exact Sciences
Classification: Likely benign for SDCCAG8-related condition. Last evaluated: 2025-06-12. Review status: criteria provided, single submitter. Criteria: ACMG Guidelines, 2015. Collection method: clinical testing. Allele origin: germline.
Comment: This variant is classified as likely benign based on ACMG/AMP sequence variant interpretation guidelines (Richards et al. 2015 PMID: 25741868, with internal and published modifications).

NM_006642.5(SDCCAG8):c.1603C>T (p.Leu535=)

Gene: SDCCAG8 (SHH signaling and ciliogenesis regulator SDCCAG8; plus strand). Cytogenetic location: 1q43.
Variant type: single nucleotide variant.
Coding change: c.1603C>T on transcript NM_006642.5 (MANE Select); coding-DNA position 1603, C replaced by T.
Protein change: p.Leu535=; no amino-acid change (leucine 535 retained).
Molecular consequence: synonymous variant.
Genome position (GRCh38, 1-based): chr1:243,378,850, C>T. VCF-style: chr1-243378850-C-T. GRCh37 (hg19) VCF-style: chr1-243542152-C-T.
Other names: c.700C>T, p.Leu234= (NM_001350246.2, NM_001350247.2, NM_001350251.2); c.1699C>T, p.Leu567= (NM_001350248.2); c.1309C>T, p.Leu437= (NM_001350249.2).
Identifiers: ClinVar variation 5000282 (VCV005000282.1).
Genomic context (GRCh38, chr1:243,378,850, plus strand): 5'-GCCCTGGCCAGAGAGGAGTGCCTGAGACTAACAGAACTGCTGGGCGAATCTGAGCACCAA[C>T]TGCACCTCACCAGGTACTCCCTAATCCCATTATGCGCCATAGCACCGATTTCATTCCACT-3'
Protein context (NP_006633.1, residues 525-545): TELLGESEHQ[Leu535=]HLTRQEKDSI